The following is an entry in ClinVar:

NM_198253.3(TERT):c.1601A>C (p.His534Pro)

Gene: TERT (telomerase reverse transcriptase; minus strand). Cytogenetic location: 5p15.33.
Variant type: single nucleotide variant.
Coding change: c.1601A>C on transcript NM_198253.3 (MANE Select); coding-DNA position 1601, A replaced by C.
Protein change: p.His534Pro; replaces histidine 534 with proline.
Molecular consequence: missense variant. On other transcripts: non-coding transcript variant (2).
Genome position (GRCh38, 1-based): chr5:1,282,597, T>G on the plus strand (A>C on the coding strand, the complement: TERT is on the minus strand). VCF-style: chr5-1282597-T-G. GRCh37 (hg19) VCF-style: chr5-1282712-T-G.
Other names: c.1601A>C, p.His534Pro (NM_001193376.3, NM_003219.1); short protein forms H534P.
Identifiers: ClinVar variation 1776184 (VCV001776184.2), dbSNP rs2478306957, ClinGen allele CA359083533.

ClinVar aggregate classification (germline): Uncertain significance (1 of 4 stars; one submission).

Conditions:
Dyskeratosis congenita. Identifiers: Orphanet 1775, MedGen C0265965, MONDO:0015780.

Submission:

Ambry Genetics
Classification: Uncertain significance for Dyskeratosis congenita. Last evaluated: 2022-01-26. Review status: criteria provided, single submitter. Criteria: Ambry Variant Classification Scheme 2023. Collection method: clinical testing. Allele origin: germline.
Comment: The p.H534P variant (also known as c.1601A>C), located in coding exon 3 of the TERT gene, results from an A to C substitution at nucleotide position 1601. The histidine at codon 534 is replaced by proline, an amino acid with similar properties. This amino acid position is conserved. In addition, this alteration is predicted to be deleterious by in silico analysis. Since supporting evidence is limited at this time, the clinical significance of this alteration remains unclear.